The following is an entry in ClinVar:

ClinVar aggregate classification (germline): Pathogenic (1 of 4 stars; one submission).

Conditions:
Mucopolysaccharidosis, MPS-II (MPS2). Also called: Hunter Syndrome; IDURONATE 2-SULFATASE DEFICIENCY; Mucopolysaccharidosis Type II; Mucopolysaccharidosis type 2; Attenuated MPS (subtype; formerly known as mild MPS II); Severe MPS II. Identifiers: Orphanet 580, Orphanet 79388, MedGen C0026705, MONDO:0010674, OMIM 309900.

Submission:

Laboratory of Diagnosis and Therapy of Lysosomal Disorders, University of Padova
Classification: Pathogenic for Mucopolysaccharidosis, MPS-II. Last evaluated: 2024-06-07. Review status: criteria provided, single submitter. Criteria: ACMG Guidelines, 2015. Collection method: literature only. Allele origin: germline. Affected: yes. Observed: 2 variant alleles.
Comment: In vitro or in vivo functional studies supportive of a damaging effect (PS3_Strong), Absent from controls (or at low frequency) in gnomAD database (PM2_Moderate), Protein length changes in a nonrepeat region or stop–loss variants (PM4_Strong), Multiple lines of computational evidence support a deleterious effect (PP3_Supporting), Patient’s phenotype or family history highly specific for the disease (PP4_Moderate)

Classification method: ACMG Guidelines [PMID:25741868] with modifications

Literature cited by the submitters: PubMed 15614569; PubMed 31877959.

NM_000202.8(IDS):c.231_236del (p.Phe78_Ala79del)

Gene: IDS (iduronate 2-sulfatase; minus strand). Cytogenetic location: Xq28.
Variant type: Deletion.
Coding change: c.231_236del on transcript NM_000202.8 (MANE Select); coding-DNA positions 231 to 236, 6 bases deleted (CTTTGC; older notation c.231_236delCTTTGC).
Protein change: p.Phe78_Ala79del.
Molecular consequence: inframe deletion. On other transcripts: initiator codon variant (1), non-coding transcript variant (1).
Genome position (GRCh38, 1-based): chrX:149,504,161-149,504,166, GCAAAG deleted on the plus strand (CTTTGC on the coding strand, the reverse complement: IDS is on the minus strand); deleting any 6 consecutive bases within chrX:149,504,161-149,504,169 gives the same sequence; the c. name uses the placement nearest the transcript's 3' end. VCF-style (leftmost placement, unchanged base first): chrX-149504160-CGCAAAG-C. GRCh37 (hg19) VCF-style: chrX-148585690-CGCAAAG-C.
Other names: c.5_10del, p.Pro2_Leu3del (NM_001166550.4); c.231_236del, p.Phe78_Ala79del (NM_006123.5).
Identifiers: ClinVar variation 3256101 (VCV003256101.2).
Genomic context (GRCh38, chrX:149,504,160, plus strand): 5'-CCCAACCCTCAGTGCACGAAGCAGCACACACCCACAGCTAGAGGTTCCCAGACATACCTG[CGCAAAG>C]GCATTCTGGAAGAGGAGGCTGTGGGATGCCAGTTGGTCAATATTTGGGGACCTCACCAGC-3'